The following is an entry in ClinVar:

NM_022041.4(GAN):c.1715C>G (p.Ala572Gly)

Gene: GAN (gigaxonin; plus strand). Cytogenetic location: 16q23.2.
Variant type: single nucleotide variant.
Coding change: c.1715C>G on transcript NM_022041.4 (MANE Select); coding-DNA position 1715, C replaced by G.
Protein change: p.Ala572Gly; replaces alanine 572 with glycine.
Molecular consequence: missense variant.
Genome position (GRCh38, 1-based): chr16:81,377,517, C>G. VCF-style: chr16-81377517-C-G. GRCh37 (hg19) VCF-style: chr16-81411122-C-G.
Other names: c.1076C>G, p.Ala359Gly (NM_001377486.1); short protein forms A359G, A572G.
Identifiers: ClinVar variation 965148 (VCV000965148.6), dbSNP rs778978997, ClinGen allele CA8191867.

ClinVar aggregate classification (germline): Uncertain significance. Review status: criteria provided, multiple submitters, no conflicts (2 of 4 stars). 3 submissions from 3 submitters: Uncertain significance (3). Last evaluated 2025-12-01.

Conditions:
Inborn genetic diseases. Identifiers: MedGen C0950123, MeSH D030342.
Giant axonal neuropathy 1 (GAN1). Also called: GAN-Related Neurodegeneration; GIANT AXONAL NEUROPATHY 1, AUTOSOMAL RECESSIVE. Identifiers: Orphanet 643, MedGen C1850386, MONDO:0009749, OMIM 256850.

Allele frequency attached by ClinVar (database versions not stated): TOPMed 0.00002; gnomAD 0.00004; ExAC 0.00005; gnomAD exomes 0.00006.
gnomAD v4.1: 44 of 1,614,020 alleles (0.0027%); highest among the groups gnomAD compares: East Asian, 0.031%; no homozygotes.

Submissions (3):

Women's Health and Genetics/Laboratory Corporation of America, LabCorp
Classification: Uncertain significance. Last evaluated: 2025-12-01. Review status: criteria provided, single submitter. Criteria: LabCorp Variant Classification Summary - May 2015. Collection method: clinical testing. Allele origin: germline.
Comment: Variant summary: GAN c.1715C>G (p.Ala572Gly) results in a non-conservative amino acid change in the encoded protein sequence. Algorithms developed to predict the effect of missense changes on protein structure and function are either unavailable or do not agree on the potential impact of this missense change. The variant allele was found at a frequency of 6.4e-05 in 251098 control chromosomes (gnomAD). This frequency is not significantly higher than estimated for disease-causing variants in GAN, allowing no conclusion about variant significance. c.1715C>G has been observed in one individual affected with autosomal recessive spastic ataxia of Charlevoix-Saguenay (Liew_2013). The report does not provide unequivocal conclusions about association of the variant with Giant axonal neuropathy 1. To our knowledge, no experimental evidence demonstrating an impact on protein function has been reported. The following publication have been ascertained in the context of this evaluation (PMID: 23699708). ClinVar contains an entry for this variant (Variation ID: 965148). Based on the evidence outlined above, the variant was classified as uncertain significance.

Ambry Genetics
Classification: Uncertain significance for Inborn genetic diseases. Last evaluated: 2023-05-30. Review status: criteria provided, single submitter. Criteria: Ambry Variant Classification Scheme 2023. Collection method: clinical testing. Allele origin: germline.

Labcorp Genetics (formerly Invitae), Labcorp
Classification: Uncertain significance for Giant axonal neuropathy 1. Last evaluated: 2022-07-29. Review status: criteria provided, single submitter. Criteria: Invitae Variant Classification Sherloc (09022015). Collection method: clinical testing. Allele origin: germline.
Comment: This sequence change replaces alanine, which is neutral and non-polar, with glycine, which is neutral and non-polar, at codon 572 of the GAN protein (p.Ala572Gly). This variant is present in population databases (rs778978997, gnomAD 0.03%). This variant has not been reported in the literature in individuals affected with GAN-related conditions. ClinVar contains an entry for this variant (Variation ID: 965148). Algorithms developed to predict the effect of missense changes on protein structure and function are either unavailable or do not agree on the potential impact of this missense change (SIFT: "Deleterious"; PolyPhen-2: "Benign"; Align-GVGD: "Class C0"). In summary, the available evidence is currently insufficient to determine the role of this variant in disease. Therefore, it has been classified as a Variant of Uncertain Significance.

Literature cited by the submitters: PubMed 23699708 (cited by Women's Health and Genetics/Laboratory Corporation of America, LabCorp).